The following is an entry in ClinVar:

NM_016953.4(PDE11A):c.793_816del (p.Pro265_Thr272del)

Gene: PDE11A (phosphodiesterase 11A; minus strand). Cytogenetic location: 2q31.2.
Variant type: Deletion.
Coding change: c.793_816del on transcript NM_016953.4 (MANE Select); coding-DNA positions 793 to 816, 24 bases deleted (CCTCTGCTGCCTTGCAGCAGCACA).
Protein change: p.Pro265_Thr272del.
Molecular consequence: inframe deletion. On other transcripts: intron variant (1).
Genome position (GRCh38, 1-based): chr2:178,071,622-178,071,645, TGTGCTGCTGCAAGGCAGCAGAGG deleted on the plus strand (CCTCTGCTGCCTTGCAGCAGCACA on the coding strand, the reverse complement: PDE11A is on the minus strand); deleting any 24 consecutive bases within chr2:178,071,622-178,071,648 gives the same sequence; the c. name uses the placement nearest the transcript's 3' end. VCF-style (leftmost placement, unchanged base first): chr2-178071621-CTGTGCTGCTGCAAGGCAGCAGAGG-C. GRCh37 (hg19) VCF-style: chr2-178936348-CTGTGCTGCTGCAAGGCAGCAGAGG-C.
Other names: c.162+32657_162+32680del (NM_001077197.2).
Identifiers: ClinVar variation 2576001 (VCV002576001.1), dbSNP rs761105953, ClinGen allele CA1982187.

ClinVar aggregate classification (germline): Uncertain significance (1 of 4 stars; one submission).

Submission:

Institute for Clinical Genetics, University Hospital TU Dresden, University Hospital TU Dresden
Classification: Uncertain significance. Last evaluated: 2022-07-22. Review status: criteria provided, single submitter. Criteria: ACMG Guidelines, 2015. Collection method: clinical testing. Allele origin: germline.
Comment: PM4, PM1, PM2_SUP